The following is an entry in ClinVar:

NM_001001563.5(TIMM50):c.328C>T (p.Gln110Ter)

Gene: TIMM50 (translocase of inner mitochondrial membrane 50; plus strand). Cytogenetic location: 19q13.2.
Variant type: single nucleotide variant.
Coding change: c.328C>T on transcript NM_001001563.5 (MANE Select); coding-DNA position 328, C replaced by T.
Protein change: p.Gln110Ter; replaces glutamine 110 with a stop codon.
Molecular consequence: nonsense. On other transcripts: intron variant (1).
Genome position (GRCh38, 1-based): chr19:39,485,558, C>T. VCF-style: chr19-39485558-C-T. GRCh37 (hg19) VCF-style: chr19-39976198-C-T.
Other names: c.34-130C>T (NM_001329559.2); short protein forms Q110*.
Identifiers: ClinVar variation 1723218 (VCV001723218.2), dbSNP rs1457024558, ClinGen allele CA405787060.

ClinVar aggregate classification (germline): Likely pathogenic (1 of 4 stars; one submission).

Conditions:
3-methylglutaconic aciduria type 9. Also called: 3-METHYLGLUTACONIC ACIDURIA, TYPE IX. Identifiers: Orphanet 505216, MedGen C4540171, MONDO:0044724, OMIM 617698.

Allele frequency attached by ClinVar (database versions not stated): TOPMed below 0.00001; gnomAD 0.00001.

Submission:

Dasa
Classification: Likely pathogenic for 3-methylglutaconic aciduria type 9. Last evaluated: 2022-11-03. Review status: criteria provided, single submitter. Criteria: ACMG Guidelines, 2015. Collection method: clinical testing. Allele origin: germline. Affected: no. Observed: 1 variant allele.
Comment: The c.328C>T;p.(Gln110*) variant creates a premature translational stop signal in the TIMM50 gene. It is expected to result in an absent or disrupted protein product - PVS1.This variant is not present in population databases (rs1457024558, gnomAD; ABraOM no frequency) - PM2. In summary, the currently available evidence indicates that the variant is likely pathogenic.